The following is an entry in ClinVar:

ClinVar aggregate classification (germline): Benign/Likely benign. Review status: criteria provided, multiple submitters, no conflicts (2 of 4 stars). 5 submissions from 4 submitters: Benign (2); Likely benign (3). Last evaluated 2025-10-15.

Conditions:
Mandibuloacral dysplasia with type B lipodystrophy (MADB). Also called: LIPODYSTROPHY, TYPE B, ASSOCIATED WITH MANDIBULOACRAL DYSPLASIA. Identifiers: Orphanet 2457, Orphanet 90154, MedGen C1837756, MONDO:0012074, OMIM 608612.
Lethal tight skin contracture syndrome. Also called: RESTRICTIVE DERMOPATHY, LETHAL; Restrictive dermopathy. Identifiers: Orphanet 1662, MedGen C0406585, MONDO:0031213.
ZMPSTE24-related disorder. Also called: ZMPSTE24-related condition; ZMPSTE24-related disorders. Identifiers: MedGen CN239425.

Allele frequency attached by ClinVar (database versions not stated): gnomAD 0.00017 and 0.00027; TOPMed 0.00023; ExAC 0.00069; gnomAD exomes 0.00072; 1000 Genomes Project 30x 0.00297; 1000 Genomes Project 0.00300.
gnomAD v4.1: 198 of 1,614,146 alleles (0.012%); highest among the groups gnomAD compares: East Asian, 0.41%; no homozygotes.

Submissions (5):

Labcorp Genetics (formerly Invitae), Labcorp
Classification: Benign. Last evaluated: 2025-10-15. Review status: criteria provided, single submitter. Criteria: Invitae Variant Classification Sherloc (09022015). Collection method: clinical testing. Allele origin: germline.

PreventionGenetics, part of Exact Sciences
Classification: Benign for ZMPSTE24-related condition. Last evaluated: 2025-04-06. Review status: criteria provided, single submitter. Criteria: ACMG Guidelines, 2015. Collection method: clinical testing. Allele origin: germline.
Comment: This variant is classified as benign based on ACMG/AMP sequence variant interpretation guidelines (Richards et al. 2015 PMID: 25741868, with internal and published modifications).

Blueprint Genetics
Classification: Likely benign. Last evaluated: 2024-10-30. Review status: criteria provided, single submitter. Criteria: ACMG Guidelines, 2015. Collection method: clinical testing. Allele origin: germline.

Illumina Laboratory Services, Illumina
Classification: Likely benign for Mandibuloacral dysplasia with type B lipodystrophy. Last evaluated: 2018-01-13. Review status: criteria provided, single submitter. Criteria: ICSL Variant Classification Criteria 13 December 2019. Collection method: clinical testing. Allele origin: germline.
Comment: This variant was observed in the ICSL laboratory as part of a predisposition screen in an ostensibly healthy population. It had not been previously curated by ICSL or reported in the Human Gene Mutation Database (HGMD: prior to June 1st, 2018), and was therefore a candidate for classification through an automated scoring system. Utilizing variant allele frequency, disease prevalence and penetrance estimates, and inheritance mode, an automated score was calculated to assess if this variant is too frequent to cause the disease. Based on the score and internal cut-off values, a variant classified as likely benign is not then subjected to further curation. The score for this variant resulted in a classification of likely benign for this disease.

Illumina Laboratory Services, Illumina
Classification: Likely benign for Restrictive dermopathy 1. Last evaluated: 2018-01-13. Review status: criteria provided, single submitter. Criteria: ICSL Variant Classification Criteria 13 December 2019. Collection method: clinical testing. Allele origin: germline.
Comment: the same text as in the submission from Illumina Laboratory Services, Illumina above.

NM_005857.5(ZMPSTE24):c.237C>T (p.Phe79=)

Gene: ZMPSTE24 (zinc metallopeptidase STE24; plus strand). Cytogenetic location: 1p34.2.
Variant type: single nucleotide variant.
Coding change: c.237C>T on transcript NM_005857.5 (MANE Select); coding-DNA position 237, C replaced by T.
Protein change: p.Phe79=; no amino-acid change (phenylalanine 79 retained).
Molecular consequence: synonymous variant.
Genome position (GRCh38, 1-based): chr1:40,260,952, C>T. VCF-style: chr1-40260952-C-T. GRCh37 (hg19) VCF-style: chr1-40726624-C-T.
Identifiers: ClinVar variation 297260 (VCV000297260.15), dbSNP rs115173390, ClinGen allele CA790935.